The following is an entry in ClinVar:

NM_031407.7(HUWE1):c.9243_9245dup (p.Leu3082_Ala3083insLeu)

Gene: HUWE1 (HECT, UBA and WWE domain containing E3 ubiquitin protein ligase 1; minus strand). Cytogenetic location: Xp11.22.
Variant type: Duplication.
Coding change: c.9243_9245dup on transcript NM_031407.7 (MANE Select); coding-DNA positions 9243 to 9245, 3 bases duplicated (GTT; older notation c.9243_9245dupGTT).
Protein change: p.Leu3082_Ala3083insLeu.
Molecular consequence: inframe insertion.
Genome position (GRCh38, 1-based): chrX:53,551,041-53,551,043, AAC duplicated on the plus strand (GTT on the coding strand, the reverse complement: HUWE1 is on the minus strand); duplicating any 3 consecutive bases within chrX:53,551,041-53,551,044 gives the same sequence; the c. name uses the placement nearest the transcript's 3' end. VCF-style (leftmost placement, unchanged base first): chrX-53551040-T-TAAC. GRCh37 (hg19) VCF-style: chrX-53578001-T-TAAC.
Identifiers: ClinVar variation 3342989 (VCV003342989.1).

ClinVar aggregate classification (germline): Uncertain significance (1 of 4 stars; one submission).

Submission:

GeneDx
Classification: Uncertain significance. Last evaluated: 2023-04-04. Review status: criteria provided, single submitter. Criteria: GeneDx Variant Classification Process June 2021. Collection method: clinical testing. Allele origin: germline. Affected: yes.
Comment: Not observed at significant frequency in large population cohorts (gnomAD); In-frame insertion of 1 amino acid in a non-repeat region; In silico analysis is inconclusive as to whether the variant alters gene splicing. In the absence of RNA/functional studies, the actual effect of this sequence change is unknown.; Has not been previously published as pathogenic or benign to our knowledge